The following is an entry in ClinVar:

NM_000143.4(FH):c.827G>T (p.Gly276Val)

Gene: FH (fumarate hydratase; minus strand). Cytogenetic location: 1q43.
Variant type: single nucleotide variant.
Coding change: c.827G>T on transcript NM_000143.4 (MANE Select); coding-DNA position 827, G replaced by T.
Protein change: p.Gly276Val; replaces glycine 276 with valine.
Molecular consequence: missense variant.
Genome position (GRCh38, 1-based): chr1:241,506,080, C>A on the plus strand (G>T on the coding strand, the complement: FH is on the minus strand). VCF-style: chr1-241506080-C-A. GRCh37 (hg19) VCF-style: chr1-241669380-C-A.
Other names: short protein forms G276V.
Identifiers: ClinVar variation 1762727 (VCV001762727.5), dbSNP rs2147917609, ClinGen allele CA345438941.
Genomic context (GRCh38, chr1:241,506,080, plus strand): 5'-TTTGCAGCAACCTTTTCTGCAAAGCCAATTCTAGTATTTAAACCTGTACCAACAGCAGTG[C>A]CTCCAGCTGCGAGCTCATAGATTCTTGGCATGGCAGCTTTTATTCTTGTCATTGCATATT-3'
Protein context (NP_000134.2, residues 266-286): MPRIYELAAG[Gly276Val]TAVGTGLNTR

ClinVar aggregate classification (germline): Pathogenic/Likely pathogenic. Review status: criteria provided, multiple submitters, no conflicts (2 of 4 stars). 2 submissions from 2 submitters: Pathogenic (1); Likely pathogenic (1). Last evaluated 2024-10-16.

Conditions:
Hereditary cancer-predisposing syndrome. Also called: Neoplastic Syndromes, Hereditary; Tumor predisposition; Hereditary Cancer Syndrome; Hereditary neoplastic syndrome. Identifiers: Orphanet 140162, MedGen C0027672, MeSH D009386, MONDO:0015356.

Submissions (2):

Labcorp Genetics (formerly Invitae), Labcorp
Classification: Pathogenic. Last evaluated: 2024-10-16. Review status: criteria provided, single submitter. Criteria: Invitae Variant Classification Sherloc (09022015). Collection method: clinical testing. Allele origin: germline.
Comment: This sequence change replaces glycine, which is neutral and non-polar, with valine, which is neutral and non-polar, at codon 276 of the FH protein (p.Gly276Val). This variant is not present in population databases (gnomAD no frequency). This missense change has been observed in individual(s) with hereditary leiomyomatosis and renal cell cancer (external communication). ClinVar contains an entry for this variant (Variation ID: 1762727). Invitae Evidence Modeling of protein sequence and biophysical properties (such as structural, functional, and spatial information, amino acid conservation, physicochemical variation, residue mobility, and thermodynamic stability) indicates that this missense variant is expected to disrupt FH protein function with a positive predictive value of 95%. This variant disrupts the p.Gly276 amino acid residue in FH. Other variant(s) that disrupt this residue have been determined to be pathogenic (external communication, internal data). This suggests that this residue is clinically significant, and that variants that disrupt this residue are likely to be disease-causing. For these reasons, this variant has been classified as Pathogenic.

Ambry Genetics
Classification: Likely pathogenic for Hereditary cancer-predisposing syndrome. Last evaluated: 2024-07-10. Review status: criteria provided, single submitter. Criteria: Ambry Variant Classification Scheme 2023. Collection method: clinical testing. Allele origin: germline.
Comment: The p.G276V variant (also known as c.827G>T), located in coding exon 6 of the FH gene, results from a G to T substitution at nucleotide position 827. The glycine at codon 276 is replaced by valine, an amino acid with dissimilar properties. This variant has been observed in individuals with a personal and/or family history that is consistent with FH-associated disease (Ambry internal data). Based on internal structural analysis this variant lies in the central domain and it is predicted to be significantly destabilizing (Ambry internal data). This variant is considered to be rare based on population cohorts in the Genome Aggregation Database (gnomAD). This amino acid position is highly conserved in available vertebrate species. In addition, this alteration is predicted to be deleterious by in silico analysis. Based on the majority of available evidence to date, this variant is likely to be pathogenic.